The following is an entry in ClinVar:

ClinVar aggregate classification (germline): Uncertain significance (1 of 4 stars; one submission).

Conditions:
Peroxisome biogenesis disorder. Identifiers: Orphanet 79189, MedGen C1832200, MONDO:0019234. Disease mechanism: loss of function.

gnomAD v4.1: 9 of 1,611,226 alleles (0.00056%); highest among the groups gnomAD compares: East Asian, 0.0022%; no homozygotes.

Submission:

Labcorp Genetics (formerly Invitae), Labcorp
Classification: Uncertain significance for Peroxisome biogenesis disorder. Last evaluated: 2024-03-25. Review status: criteria provided, single submitter. Criteria: Invitae Variant Classification Sherloc (09022015). Collection method: clinical testing. Allele origin: germline.
Comment: This sequence change replaces serine, which is neutral and polar, with leucine, which is neutral and non-polar, at codon 242 of the PEX16 protein (p.Ser242Leu). This variant is present in population databases (no rsID available, gnomAD 0.006%). This variant has not been reported in the literature in individuals affected with PEX16-related conditions. Advanced modeling of protein sequence and biophysical properties (such as structural, functional, and spatial information, amino acid conservation, physicochemical variation, residue mobility, and thermodynamic stability) performed at Invitae indicates that this missense variant is expected to disrupt PEX16 protein function with a positive predictive value of 80%. In summary, the available evidence is currently insufficient to determine the role of this variant in disease. Therefore, it has been classified as a Variant of Uncertain Significance.

NM_004813.4(PEX16):c.725C>T (p.Ser242Leu)

Gene: PEX16 (peroxisomal biogenesis factor 16; minus strand). Cytogenetic location: 11p11.2.
Variant type: single nucleotide variant.
Coding change: c.725C>T on transcript NM_004813.4 (MANE Select); coding-DNA position 725, C replaced by T.
Protein change: p.Ser242Leu; replaces serine 242 with leucine.
Molecular consequence: missense variant.
Genome position (GRCh38, 1-based): chr11:45,914,173, G>A on the plus strand (C>T on the coding strand, the complement: PEX16 is on the minus strand). VCF-style: chr11-45914173-G-A. GRCh37 (hg19) VCF-style: chr11-45935724-G-A.
Other names: c.725C>T, p.Ser242Leu (NM_057174.3); short protein forms S242L.
Identifiers: ClinVar variation 3715444 (VCV003715444.2).